The following is an entry in ClinVar:

ClinVar aggregate classification (germline): Likely benign. Review status: criteria provided, multiple submitters, no conflicts (2 of 4 stars). 10 submissions from 10 submitters: Likely benign (9). 1 of the submissions does not count toward it. Last evaluated 2026-01-28.

Conditions:
MUTYH-related disorder. Also called: MUTYH-related condition; MUTYH-related disorders.
Hereditary cancer-predisposing syndrome. Also called: Neoplastic Syndromes, Hereditary; Tumor predisposition; Hereditary neoplastic syndrome; Hereditary Cancer Syndrome. Identifiers: Orphanet 140162, MedGen C0027672, MeSH D009386, MONDO:0015356.
Familial adenomatous polyposis 2. Also called: MUTYH Polyposis; ADENOMAS, MULTIPLE COLORECTAL, AUTOSOMAL RECESSIVE; MYH-associated polyposis; FAP type 2; Adenomas, multiple colorectal; MUTYH-related attenuated familial adenomatous polyposis. Identifiers: Orphanet 220460, Orphanet 247798, MedGen C3272841, MONDO:0012041, OMIM 608456.

Allele frequency attached by ClinVar (database versions not stated): gnomAD exomes below 0.00001; TOPMed below 0.00001; ExAC 0.00001; gnomAD 0.00001.
gnomAD v4.1: 13 of 1,613,950 alleles (0.00081%); highest among the groups gnomAD compares: East Asian, 0.0067%; no homozygotes.

Submissions (10):

Labcorp Genetics (formerly Invitae), Labcorp
Classification: Likely benign for Familial adenomatous polyposis 2. Last evaluated: 2026-01-28. Review status: criteria provided, single submitter. Criteria: Invitae Variant Classification Sherloc (09022015). Collection method: clinical testing. Allele origin: germline.

PreventionGenetics, part of Exact Sciences
Classification: Likely benign for MUTYH-related condition. Last evaluated: 2025-06-10. Review status: criteria provided, single submitter. Criteria: ACMG Guidelines, 2015. Collection method: clinical testing. Allele origin: germline.
Comment: This variant is classified as likely benign based on ACMG/AMP sequence variant interpretation guidelines (Richards et al. 2015 PMID: 25741868, with internal and published modifications).

Women's Health and Genetics/Laboratory Corporation of America, LabCorp
Classification: Likely benign. Last evaluated: 2024-12-06. Review status: criteria provided, single submitter. Criteria: LabCorp Variant Classification Summary - May 2015. Collection method: clinical testing. Allele origin: germline.

Blueprint Genetics
Classification: Likely benign. Last evaluated: 2024-02-29. Review status: criteria provided, single submitter. Criteria: ACMG Guidelines, 2015. Collection method: clinical testing. Allele origin: germline.

All of Us Research Program, National Institutes of Health
Classification: Likely benign for Familial adenomatous polyposis 2. Last evaluated: 2024-02-05. Review status: criteria provided, single submitter. Criteria: ACMG Guidelines, 2015. Collection method: clinical testing. Allele origin: germline. Inheritance: Autosomal recessive inheritance. Observed: 2 variant alleles, 2 heterozygotes.
Comment: This study involves interpretation of variants in research participants for the purpose of population health screening. Participant phenotype was not available at the time of variant classification. Additional details can be found in publication PMID: 35346344, PMCID: PMC8962531

Sema4
Classification: Likely benign for Hereditary cancer-predisposing syndrome. Last evaluated: 2022-03-16. Review status: criteria provided, single submitter. Criteria: Sema4 Curation Guidelines. Collection method: curation. Allele origin: germline.

GeneDx
Classification: Likely benign. Last evaluated: 2021-05-18. Review status: criteria provided, single submitter. Criteria: GeneDx Variant Classification Process June 2021. Collection method: clinical testing. Allele origin: germline. Affected: yes.
Comment: This variant is associated with the following publications: (PMID: 25303977)

Color Diagnostics, LLC DBA Color Health
Classification: Likely benign for Hereditary cancer-predisposing syndrome. Last evaluated: 2017-04-18. Review status: criteria provided, single submitter. Criteria: ACMG Guidelines, 2015. Collection method: clinical testing. Allele origin: germline.

Ambry Genetics
Classification: Likely benign for Hereditary cancer-predisposing syndrome. Last evaluated: 2014-12-23. Review status: criteria provided, single submitter. Criteria: Ambry Variant Classification Scheme 2023. Collection method: clinical testing. Allele origin: germline.

Counsyl
Classification: Likely benign for Familial adenomatous polyposis 2. Last evaluated: 2015-12-16. Review status: no assertion criteria provided. Collection method: clinical testing. Allele origin: unknown. Not counted in ClinVar's aggregate classification.

NM_001048174.2(MUTYH):c.138G>A (p.Glu46=)

Gene: MUTYH (mutY DNA glycosylase; minus strand). Cytogenetic location: 1p34.1.
Variant type: single nucleotide variant.
Coding change: c.138G>A on transcript NM_001048174.2 (MANE Select); coding-DNA position 138, G replaced by A.
Protein change: p.Glu46=; no amino-acid change (glutamic acid 46 retained).
Molecular consequence: synonymous variant. On other transcripts: 5 prime UTR variant (1), non-coding transcript variant (2), intron variant (3).
Genome position (GRCh38, 1-based): chr1:45,333,539, C>T on the plus strand (G>A on the coding strand, the complement: MUTYH is on the minus strand). VCF-style: chr1-45333539-C-T. GRCh37 (hg19) VCF-style: chr1-45799211-C-T.
Other names: c.138G>A, p.Glu46= (NM_001048171.2, NM_001048173.2, NM_001293195.2); c.141G>A, p.Glu47= (NM_001048172.2); c.222G>A, p.Glu74= (NM_001128425.2); c.183G>A, p.Glu61= (NM_001293190.2); c.171G>A, p.Glu57= (NM_001293191.2); c.-134G>A (NM_001350650.2); c.213G>A, p.Glu71= (NM_012222.3); c.-92-42G>A (NM_001350651.2); and 1 more.
Identifiers: ClinVar variation 187549 (VCV000187549.26), dbSNP rs376861118, ClinGen allele CA013252.